The following is an entry in ClinVar:

NM_001379659.1(ZNF142):c.5342G>A (p.Arg1781His)

Gene: ZNF142 (zinc finger protein 142; minus strand). Cytogenetic location: 2q35.
Variant type: single nucleotide variant.
Coding change: c.5342G>A on transcript NM_001379659.1 (MANE Select); coding-DNA position 5342, G replaced by A.
Protein change: p.Arg1781His; replaces arginine 1781 with histidine.
Molecular consequence: missense variant.
Genome position (GRCh38, 1-based): chr2:218,638,661, C>T on the plus strand (G>A on the coding strand, the complement: ZNF142 is on the minus strand). VCF-style: chr2-218638661-C-T. GRCh37 (hg19) VCF-style: chr2-219503384-C-T.
Other names: c.4742G>A, p.Arg1581His (NM_001105537.5, NM_001366291.3, NM_001379662.1); c.4253G>A, p.Arg1418His (NM_001366287.3, NM_001366288.3, NM_001366289.3); c.5342G>A, p.Arg1781His (NM_001366290.3, NM_001379660.1, NM_001379661.1); short protein forms R1418H, R1581H, R1781H.
Identifiers: ClinVar variation 3341748 (VCV003341748.16).

ClinVar aggregate classification (germline): Likely benign (1 of 4 stars; one submission).

gnomAD v4.1: 91 of 1,614,194 alleles (0.0056%); highest among the groups gnomAD compares: South Asian, 0.0055%; no homozygotes.

Submission:

CeGaT Center for Human Genetics Tuebingen
Classification: Likely benign. Last evaluated: 2025-08-01. Review status: criteria provided, single submitter. Criteria: CeGaT Center For Human Genetics Tuebingen Variant Classification Criteria Version 2. Collection method: clinical testing. Allele origin: germline. Affected: yes. Observed: 2 variant alleles.
Comment: ZNF142: BP7